The following is an entry in ClinVar:

ClinVar aggregate classification (germline): Likely benign. Review status: criteria provided, multiple submitters, no conflicts (2 of 4 stars). 3 submissions from 3 submitters: Likely benign (2). 1 of the submissions does not count toward it. Last evaluated 2026-01-18.

Conditions:
ALPL-related disorder. Also called: ALPL-related disorders; ALPL-related condition.

Allele frequency attached by ClinVar (database versions not stated): gnomAD exomes 0.00006; ExAC 0.00008; gnomAD 0.00017 and 0.00019; TOPMed 0.00023; ESP Exome Variant Server 0.00031.
gnomAD v4.1: 133 of 1,611,500 alleles (0.0083%); highest among the groups gnomAD compares: African/African-American, 0.043%; no homozygotes.

Submissions (3):

Labcorp Genetics (formerly Invitae), Labcorp
Classification: Likely benign. Last evaluated: 2026-01-18. Review status: criteria provided, single submitter. Criteria: Invitae Variant Classification Sherloc (09022015). Collection method: clinical testing. Allele origin: germline.

GeneDx
Classification: Likely benign. Last evaluated: 2021-03-01. Review status: criteria provided, single submitter. Criteria: GeneDx Variant Classification Process June 2021. Collection method: clinical testing. Allele origin: germline. Affected: yes.

PreventionGenetics, part of Exact Sciences
Classification: Likely benign for ALPL-related condition. Last evaluated: 2019-09-04. Review status: no assertion criteria provided. Collection method: clinical testing. Allele origin: germline. Not counted in ClinVar's aggregate classification.
Comment: This variant is classified as likely benign based on ACMG/AMP sequence variant interpretation guidelines (Richards et al. 2015 PMID: 25741868, with internal and published modifications).

NM_000478.6(ALPL):c.1380C>T (p.Ala460=)

Gene: ALPL (alkaline phosphatase, biomineralization associated; plus strand). Cytogenetic location: 1p36.12.
Variant type: single nucleotide variant.
Coding change: c.1380C>T on transcript NM_000478.6 (MANE Select); coding-DNA position 1380, C replaced by T.
Protein change: p.Ala460=; no amino-acid change (alanine 460 retained).
Molecular consequence: synonymous variant.
Genome position (GRCh38, 1-based): chr1:21,577,453, C>T. VCF-style: chr1-21577453-C-T. GRCh37 (hg19) VCF-style: chr1-21903946-C-T.
Other names: c.1380C>T (NM_000478.5); c.1215C>T, p.Ala405= (NM_001127501.4); c.1149C>T, p.Ala383= (NM_001177520.3); c.1380C>T, p.Ala460= (NM_001369803.2, NM_001369804.2, NM_001369805.2).
Identifiers: ClinVar variation 1119077 (VCV001119077.13), dbSNP rs371984578, ClinGen allele CA666838.